The following is an entry in ClinVar:

NM_001348323.3(TRIP12):c.878A>G (p.Gln293Arg)

Gene: TRIP12 (thyroid hormone receptor interactor 12; minus strand). Cytogenetic location: 2q36.3.
Variant type: single nucleotide variant.
Coding change: c.878A>G on transcript NM_001348323.3 (MANE Select); coding-DNA position 878, A replaced by G.
Protein change: p.Gln293Arg; replaces glutamine 293 with arginine.
Molecular consequence: missense variant. On other transcripts: intron variant (1).
Genome position (GRCh38, 1-based): chr2:229,858,921, T>C on the plus strand (A>G on the coding strand, the complement: TRIP12 is on the minus strand). VCF-style: chr2-229858921-T-C. GRCh37 (hg19) VCF-style: chr2-230723637-T-C.
Other names: c.878A>G (NM_001284214.1); c.878A>G, p.Gln293Arg (NM_001348326.2, NM_001348327.2, NM_001348328.1 and 15 more transcripts); c.752A>G, p.Gln251Arg (NM_001348331.1, NM_001348317.1, NM_001348318.2 and 3 more transcripts); c.98+21061A>G (NM_001284216.2); short protein forms Q251R, Q293R.
Identifiers: ClinVar variation 3461761 (VCV003461761.2).
Genomic context (GRCh38, chr2:229,858,921, plus strand): 5'-CTAACTTTAGGGCTGAAACGAGCAGCCCAATCAAATTTTGAAGAGCCACCAGTTTTACTC[T>C]GTTCCTTTTCCCTGCTACTTCTTCTGGGGCTGGGACTGGACGCTGAACGGGAACGCCTGG-3'
Protein context (NP_001335252.1, residues 283-303): SPRRSSREKE[Gln293Arg]SKTGGSSKFD

ClinVar aggregate classification (germline): Uncertain significance. Review status: criteria provided, multiple submitters, no conflicts (2 of 4 stars). 2 submissions from 2 submitters: Uncertain significance (2). Last evaluated 2025-02-25.

Conditions:
Inborn genetic diseases. Identifiers: MedGen C0950123, MeSH D030342.
TRIP12-related disorder. Also called: TRIP12-related condition.

gnomAD v4.1: 2 of 1,614,100 alleles (0.00012%); highest among the groups gnomAD compares: African/African-American, 0.0013%; no homozygotes.

Submissions (2):

PreventionGenetics, part of Exact Sciences
Classification: Uncertain significance for TRIP12-related condition. Last evaluated: 2025-02-25. Review status: criteria provided, single submitter. Criteria: ACMG Guidelines, 2015. Collection method: clinical testing. Allele origin: germline.
Comment: The TRIP12 c.878A>G variant is predicted to result in the amino acid substitution p.Gln293Arg. To our knowledge, this variant has not been reported in the literature or in a large population database (gnomAD), indicating this variant is rare. At this time, the clinical significance of this variant is uncertain due to the absence of conclusive functional and genetic evidence.

Ambry Genetics
Classification: Uncertain significance for Inborn genetic diseases. Last evaluated: 2024-12-10. Review status: criteria provided, single submitter. Criteria: Ambry Variant Classification Scheme 2023. Collection method: clinical testing. Allele origin: germline.